The following is an entry in ClinVar:

NM_001927.4(DES):c.326A>G (p.Lys109Arg)

Gene: DES (desmin; plus strand). Cytogenetic location: 2q35.
Variant type: single nucleotide variant.
Coding change: c.326A>G on transcript NM_001927.4 (MANE Select); coding-DNA position 326, A replaced by G.
Protein change: p.Lys109Arg; replaces lysine 109 with arginine.
Molecular consequence: missense variant.
Genome position (GRCh38, 1-based): chr2:219,418,788, A>G. VCF-style: chr2-219418788-A-G. GRCh37 (hg19) VCF-style: chr2-220283510-A-G.
Other names: c.326A>G, p.Lys109Arg (NM_001382708.1, NM_001382709.1, NM_001382710.1 and 3 more transcripts); short protein forms K109R.
Identifiers: ClinVar variation 945971 (VCV000945971.11), dbSNP rs1488426454, ClinGen allele CA350685248.

ClinVar aggregate classification (germline): Uncertain significance. Review status: criteria provided, multiple submitters, no conflicts (2 of 4 stars). 3 submissions from 3 submitters: Uncertain significance (3). Last evaluated 2025-06-06.

Conditions:
Desmin-related myofibrillar myopathy (MFM1). Also called: MYOFIBRILLAR MYOPATHY WITH ARRHYTHMOGENIC RIGHT VENTRICULAR CARDIOMYOPATHY; DESMIN-RELATED MYOPATHY WITH ARRHYTHMOGENIC RIGHT VENTRICULAR CARDIOMYOPATHY; Myofibrillar myopathy 1; Desminopathy; Desmin related myopathy (former name); Desmin storage myopathy (former name). Identifiers: Orphanet 363543, Orphanet 98909, MedGen C1832370, MONDO:0011076, OMIM 601419.
Cardiovascular phenotype. Identifiers: MedGen CN230736.

Allele frequency attached by ClinVar (database versions not stated): gnomAD exomes 0.00001.
gnomAD v4.1: 4 of 1,567,924 alleles (0.00026%); highest among the groups gnomAD compares: Non-Finnish European, 0.00026%; no homozygotes.

Submissions (3):

Labcorp Genetics (formerly Invitae), Labcorp
Classification: Uncertain significance for Desmin-related myofibrillar myopathy. Last evaluated: 2025-06-06. Review status: criteria provided, single submitter. Criteria: Invitae Variant Classification Sherloc (09022015). Collection method: clinical testing. Allele origin: germline.
Comment: This sequence change replaces lysine, which is basic and polar, with arginine, which is basic and polar, at codon 109 of the DES protein (p.Lys109Arg). This variant is not present in population databases (gnomAD no frequency). This missense change has been observed in individual(s) with autosomal dominant myofibrillar myopathy (PMID: 32403337). ClinVar contains an entry for this variant (Variation ID: 945971). Invitae Evidence Modeling of protein sequence and biophysical properties (such as structural, functional, and spatial information, amino acid conservation, physicochemical variation, residue mobility, and thermodynamic stability) has been performed for this missense variant. However, the output from this modeling did not meet the statistical confidence thresholds required to predict the impact of this variant on DES protein function. In summary, the available evidence is currently insufficient to determine the role of this variant in disease. Therefore, it has been classified as a Variant of Uncertain Significance.

Ambry Genetics
Classification: Uncertain significance for Cardiovascular phenotype. Last evaluated: 2021-10-22. Review status: criteria provided, single submitter. Criteria: Ambry Variant Classification Scheme 2023. Collection method: clinical testing. Allele origin: germline.
Comment: The p.K109R variant (also known as c.326A>G), located in coding exon 1 of the DES gene, results from an A to G substitution at nucleotide position 326. The lysine at codon 109 is replaced by arginine, an amino acid with highly similar properties. This alteration has been reported in an individual with myofibrillar myopathy (Gonzalez-Quereda L et al. Genes (Basel), 2020 05;11:). This amino acid position is highly conserved in available vertebrate species. In addition, this alteration is predicted to be deleterious by in silico analysis. Since supporting evidence is limited at this time, the clinical significance of this alteration remains unclear.

AiLife Diagnostics
Classification: Uncertain significance. Last evaluated: 2021-07-20. Review status: criteria provided, single submitter. Criteria: ACMG Guidelines, 2015. Collection method: clinical testing. Allele origin: germline. Affected: yes. Observed: 2 variant alleles.

Literature cited by the submitters: PubMed 32403337 (cited by 3 submitters).